The following is an entry in ClinVar:

NM_001298.3(CNGA3):c.281G>C (p.Gly94Ala)

Gene: CNGA3 (cyclic nucleotide gated channel subunit alpha 3; plus strand). Cytogenetic location: 2q11.2.
Variant type: single nucleotide variant.
Coding change: c.281G>C on transcript NM_001298.3 (MANE Select); coding-DNA position 281, G replaced by C.
Protein change: p.Gly94Ala; replaces glycine 94 with alanine.
Molecular consequence: missense variant.
Genome position (GRCh38, 1-based): chr2:98,380,240, G>C. VCF-style: chr2-98380240-G-C. GRCh37 (hg19) VCF-style: chr2-98996703-G-C.
Other names: c.281G>C, p.Gly94Ala (NM_001079878.2); short protein forms G94A.
Identifiers: ClinVar variation 2096894 (VCV002096894.4), dbSNP rs2466986295, ClinGen allele CA347831026.

ClinVar aggregate classification (germline): Uncertain significance (1 of 4 stars; one submission).

Allele frequency attached by ClinVar (database versions not stated): gnomAD 0.00001.
gnomAD v4.1: 1 of 1,614,092 alleles (0.000062%); highest among the groups gnomAD compares: African/African-American, 0.0013%; no homozygotes.

Submission:

Labcorp Genetics (formerly Invitae), Labcorp
Classification: Uncertain significance. Last evaluated: 2022-02-11. Review status: criteria provided, single submitter. Criteria: Invitae Variant Classification Sherloc (09022015). Collection method: clinical testing. Allele origin: germline.
Comment: This sequence change replaces glycine, which is neutral and non-polar, with alanine, which is neutral and non-polar, at codon 94 of the CNGA3 protein (p.Gly94Ala). This variant is not present in population databases (gnomAD no frequency). In summary, the available evidence is currently insufficient to determine the role of this variant in disease. Therefore, it has been classified as a Variant of Uncertain Significance. Advanced modeling of protein sequence and biophysical properties (such as structural, functional, and spatial information, amino acid conservation, physicochemical variation, residue mobility, and thermodynamic stability) performed at Invitae indicates that this missense variant is not expected to disrupt CNGA3 protein function. This variant has not been reported in the literature in individuals affected with CNGA3-related conditions.